The following is an entry in ClinVar:

ClinVar aggregate classification (germline): Pathogenic/Likely pathogenic. Review status: criteria provided, multiple submitters, no conflicts (2 of 4 stars). 2 submissions from 2 submitters: Pathogenic (1); Likely pathogenic (1). Last evaluated 2024-02-26.

Conditions:
LAMA2-related muscular dystrophy (LAMA2-RD). Also called: Laminin alpha 2-related dystrophy. Identifiers: MedGen C5679788, MONDO:0100228.
Muscular dystrophy, limb-girdle, autosomal recessive 23. Identifiers: Orphanet 565837, MedGen C4748327, MONDO:0029136, OMIM 618138.
Merosin deficient congenital muscular dystrophy (MDC1A). Also called: Congenital merosin-deficient muscular dystrophy 1A; Congenital Muscular Dystrophy Type 1A (MDC1A). Identifiers: Orphanet 258, MedGen C1263858, MONDO:0011925, OMIM 607855.

Submissions (2):

Fulgent Genetics
Classification: Likely pathogenic for Merosin deficient congenital muscular dystrophy; Muscular dystrophy, limb-girdle, autosomal recessive 23. Last evaluated: 2024-02-26. Review status: criteria provided, single submitter. Criteria: ACMG Guidelines, 2015. Collection method: clinical testing. Allele origin: germline.

Labcorp Genetics (formerly Invitae), Labcorp
Classification: Pathogenic for Laminin alpha 2-related dystrophy. Last evaluated: 2019-12-09. Review status: criteria provided, single submitter. Criteria: Invitae Variant Classification Sherloc (09022015). Collection method: clinical testing. Allele origin: germline.
Comment: This sequence change creates a premature translational stop signal (p.Arg2898Glufs*5) in the LAMA2 gene. It is expected to result in an absent or disrupted protein product. This variant is not present in population databases (ExAC no frequency). This variant has not been reported in the literature in individuals with LAMA2-related conditions. Loss-of-function variants in LAMA2 are known to be pathogenic (PMID: 18700894). For these reasons, this variant has been classified as Pathogenic.

NM_000426.4(LAMA2):c.8692del (p.Arg2898fs)

Gene: LAMA2 (laminin subunit alpha 2; plus strand). Cytogenetic location: 6q22.33.
Variant type: Deletion.
Coding change: c.8692del on transcript NM_000426.4 (MANE Select); coding-DNA position 8692, one base deleted (A; older notation c.8692delA).
Protein change: p.Arg2898fs; shifts the reading frame from arginine 2898.
Molecular consequence: frameshift variant.
Genome position (GRCh38, 1-based): chr6:129,505,344, A deleted; the last of 2 consecutive A bases (chr6:129,505,343-129,505,344); deleting either gives the same sequence. VCF-style (leftmost placement, unchanged base first): chr6-129505342-GA-G. GRCh37 (hg19) VCF-style: chr6-129826487-GA-G.
Other names: c.8680del, p.Arg2894fs (NM_001079823.2); short protein forms R2898fs, R2894fs.
Identifiers: ClinVar variation 842717 (VCV000842717.2), dbSNP rs1785973861, ClinGen allele CA916081493.